The following is an entry in ClinVar:

ClinVar aggregate classification (germline): Uncertain significance (1 of 4 stars; one submission).

Conditions:
Gingival disorder. Also called: Gingival disease. Identifiers: MedGen C0017563, MONDO:0002021.

Allele frequency attached by ClinVar (database versions not stated): TOPMed below 0.00001.

Submission:

Labcorp Genetics (formerly Invitae), Labcorp
Classification: Uncertain significance for Gingival disorder. Last evaluated: 2022-12-20. Review status: criteria provided, single submitter. Criteria: Invitae Variant Classification Sherloc (09022015). Collection method: clinical testing. Allele origin: germline.
Comment: In summary, the available evidence is currently insufficient to determine the role of this variant in disease. Therefore, it has been classified as a Variant of Uncertain Significance. Algorithms developed to predict the effect of missense changes on protein structure and function (SIFT, PolyPhen-2, Align-GVGD) all suggest that this variant is likely to be tolerated. This variant has not been reported in the literature in individuals affected with FPR1-related conditions. This variant is not present in population databases (gnomAD no frequency). This sequence change replaces aspartic acid, which is acidic and polar, with glycine, which is neutral and non-polar, at codon 26 of the FPR1 protein (p.Asp26Gly).

NM_002029.4(FPR1):c.77A>G (p.Asp26Gly)

Gene: FPR1 (formyl peptide receptor 1; minus strand). Cytogenetic location: 19q13.41.
Variant type: single nucleotide variant.
Coding change: c.77A>G on transcript NM_002029.4 (MANE Select); coding-DNA position 77, A replaced by G.
Protein change: p.Asp26Gly; replaces aspartic acid 26 with glycine.
Molecular consequence: missense variant.
Genome position (GRCh38, 1-based): chr19:51,746,918, T>C on the plus strand (A>G on the coding strand, the complement: FPR1 is on the minus strand). VCF-style: chr19-51746918-T-C. GRCh37 (hg19) VCF-style: chr19-52250171-T-C.
Other names: c.77A>G, p.Asp26Gly (NM_001193306.2); short protein forms D26G.
Identifiers: ClinVar variation 2994071 (VCV002994071.3), dbSNP rs2083751604, ClinGen allele CA407121193.